The following is an entry in ClinVar:

ClinVar aggregate classification (germline): Benign/Likely benign. Review status: criteria provided, multiple submitters, no conflicts (2 of 4 stars). 11 submissions from 11 submitters: Benign (8); Likely benign (1). 2 of the submissions do not count toward it. Last evaluated 2026-02-04.

Conditions:
Supravalvar aortic stenosis (SVAS). Also called: Supravalvar aortic stenosis, Eisenberg type. Identifiers: Orphanet 3193, MedGen C0003499, MONDO:0008504, OMIM 185500, HP:0004381.

Allele frequency attached by ClinVar (database versions not stated): 1000 Genomes Project 0.22045; 1000 Genomes Project 30x 0.22142; TOPMed 0.29699; ExAC 0.32623; ESP Exome Variant Server 0.33292.
gnomAD v4.1: 593,684 of 1,613,756 alleles (37%); highest among the groups gnomAD compares: Non-Finnish European, 40%; 114,461 homozygotes.

Submissions (11):

Labcorp Genetics (formerly Invitae), Labcorp
Classification: Benign for Supravalvar aortic stenosis. Last evaluated: 2026-02-04. Review status: criteria provided, single submitter. Criteria: Invitae Variant Classification Sherloc (09022015). Collection method: clinical testing. Allele origin: germline.

Molecular Diagnostic Laboratory for Inherited Cardiovascular Disease, Montreal Heart Institute
Classification: Benign. Last evaluated: 2025-04-09. Review status: criteria provided, single submitter. Criteria: ACMG Guidelines, 2015. Collection method: clinical testing. Allele origin: germline. Affected: no.

Blueprint Genetics
Classification: Benign. Last evaluated: 2024-11-27. Review status: criteria provided, single submitter. Criteria: ACMG Guidelines, 2015. Collection method: clinical testing. Allele origin: germline.

Women's Health and Genetics/Laboratory Corporation of America, LabCorp
Classification: Likely benign. Last evaluated: 2023-04-04. Review status: criteria provided, single submitter. Criteria: LabCorp Variant Classification Summary - May 2015. Collection method: clinical testing. Allele origin: germline.

Mayo Clinic Laboratories, Mayo Clinic
Classification: Benign. Last evaluated: 2022-04-26. Review status: criteria provided, single submitter. Criteria: ACMG Guidelines, 2015. Collection method: clinical testing. Allele origin: germline. Observed: 18 variant alleles.

Eurofins Ntd Llc (ga)
Classification: Benign. Last evaluated: 2017-06-06. Review status: criteria provided, single submitter. Criteria: EGL Classification Definitions 2015. Collection method: clinical testing. Allele origin: germline. Observed: 2 variant alleles, 1 heterozygote, 1 homozygote.

Laboratory for Molecular Medicine, Mass General Brigham Personalized Medicine
Classification: Benign. Last evaluated: 2015-08-06. Review status: criteria provided, single submitter. Criteria: LMM Criteria. Collection method: clinical testing. Allele origin: germline. Observed: 78 variant alleles.
Comment: p.Gly422Ser in exon 20 of ELN: This variant is not expected to have clinical sig nificance because it has been identified in 42% (27817/66734) of European chromo somes by the Exome Aggregation Consortium (ExAC; dbSNP rs2071307).

Breakthrough Genomics
Classification: Benign. Review status: criteria provided, single submitter. Criteria: ACMG Guidelines, 2015. Collection method: not provided. Allele origin: germline. Inheritance: Autosomal dominant inheritance. Affected: yes.

PreventionGenetics, part of Exact Sciences
Classification: Benign. Review status: criteria provided, single submitter. Criteria: ACMG Guidelines, 2015. Collection method: clinical testing. Allele origin: germline.

Diagnostic Laboratory, Department of Genetics, University Medical Center Groningen
Classification: Benign. Review status: no assertion criteria provided. Collection method: clinical testing. Allele origin: germline. Affected: yes. Study: VKGL Data-share Consensus. Not counted in ClinVar's aggregate classification.

Genome Diagnostics Laboratory, Amsterdam University Medical Center
Classification: Benign. Review status: no assertion criteria provided. Collection method: clinical testing. Allele origin: germline. Affected: yes. Study: VKGL Data-share Consensus. Not counted in ClinVar's aggregate classification.

Literature cited by the submitters: PubMed 19029017 (cited by Laboratory for Molecular Medicine, Mass General Brigham Personalized Medicine); PubMed 16894468 (cited by Laboratory for Molecular Medicine, Mass General Brigham Personalized Medicine).

NM_000501.4(ELN):c.1264G>A (p.Gly422Ser)

Gene: ELN (elastin; plus strand). Cytogenetic location: 7q11.23.
Variant type: single nucleotide variant.
Coding change: c.1264G>A on transcript NM_000501.4 (MANE Select); coding-DNA position 1264, G replaced by A.
Protein change: p.Gly422Ser; replaces glycine 422 with serine.
Molecular consequence: missense variant. On other transcripts: intron variant (2).
Genome position (GRCh38, 1-based): chr7:74,056,384, G>A. VCF-style: chr7-74056384-G-A. GRCh37 (hg19) VCF-style: chr7-73470714-G-A.
Other names: c.1264G>A (NM_001278939.1); c.1234G>A, p.Gly412Ser (NM_001081752.3, NM_001278917.2); c.1279G>A, p.Gly427Ser (NM_001081753.3, NM_001081754.3); c.1264G>A, p.Gly422Ser (NM_001081755.3, NM_001278912.2, NM_001278915.2 and 1 more transcripts); c.1249G>A, p.Gly417Ser (NM_001278914.2); c.1222G>A, p.Gly408Ser (NM_001278916.2); c.1129+27G>A (NM_001278913.2); c.1105+27G>A (NM_001278918.2); short protein forms G422S, G427S, G408S, G412S, G417S.
Identifiers: ClinVar variation 43582 (VCV000043582.30), dbSNP rs2071307, ClinGen allele CA282319.